The following is an entry in ClinVar:

NM_003383.5(VLDLR):c.1650G>T (p.Leu550=)

Gene: VLDLR (very low density lipoprotein receptor; plus strand). Cytogenetic location: 9p24.2.
Variant type: single nucleotide variant.
Coding change: c.1650G>T on transcript NM_003383.5 (MANE Select); coding-DNA position 1650, G replaced by T.
Protein change: p.Leu550=; no amino-acid change (leucine 550 retained).
Molecular consequence: synonymous variant.
Genome position (GRCh38, 1-based): chr9:2,646,499, G>T. VCF-style: chr9-2646499-G-T. GRCh37 (hg19) VCF-style: chr9-2646499-G-T.
Other names: c.1650G>T, p.Leu550= (NM_001018056.3); c.1527G>T, p.Leu509= (NM_001322225.2, NM_001322226.2); c.1650G>T (NM_003383.4).
Identifiers: ClinVar variation 388449 (VCV000388449.23), dbSNP rs753725484, ClinGen allele CA4964894.
Genomic context (GRCh38, chr9:2,646,499, plus strand): 5'-TGATGCGGCTTCTAAGACTATTTCAGTAGCTACCCTAGATGGAACCAAGAGGAAGTTCCT[G>T]TTTAACTCTGACTTGCGAGAGCCTGCCTCCATAGCTGTGGACCCACTGTCTGGGTTTGTA-3'
Protein context (NP_003374.3, residues 540-560): ATLDGTKRKF[Leu550=]FNSDLREPAS

ClinVar aggregate classification (germline): Likely benign. Review status: criteria provided, multiple submitters, no conflicts (2 of 4 stars). 5 submissions from 5 submitters: Likely benign (4). 1 of the submissions does not count toward it. Last evaluated 2024-07-01.

Conditions:
VLDLR-related disorder. Also called: VLDLR-related condition.

Allele frequency attached by ClinVar (database versions not stated): gnomAD exomes 0.00001; ExAC 0.00002; TOPMed 0.00005; gnomAD 0.00006.
gnomAD v4.1: 30 of 1,614,042 alleles (0.0019%); highest among the groups gnomAD compares: African/African-American, 0.031%; no homozygotes.

Submissions (5):

CeGaT Center for Human Genetics Tuebingen
Classification: Likely benign. Last evaluated: 2024-07-01. Review status: criteria provided, single submitter. Criteria: CeGaT Center For Human Genetics Tuebingen Variant Classification Criteria Version 2. Collection method: clinical testing. Allele origin: germline. Affected: yes. Observed: 1 variant allele.
Comment: VLDLR: BP4, BP7

Labcorp Genetics (formerly Invitae), Labcorp
Classification: Likely benign. Last evaluated: 2023-10-27. Review status: criteria provided, single submitter. Criteria: Invitae Variant Classification Sherloc (09022015). Collection method: clinical testing. Allele origin: germline.

GeneDx
Classification: Likely benign. Last evaluated: 2016-08-10. Review status: criteria provided, single submitter. Criteria: GeneDx Variant Classification (06012015). Collection method: clinical testing. Allele origin: germline. Affected: yes.
Comment: This variant is considered likely benign or benign based on one or more of the following criteria: it is a conservative change, it occurs at a poorly conserved position in the protein, it is predicted to be benign by multiple in silico algorithms, and/or has population frequency not consistent with disease.

Breakthrough Genomics
Classification: Likely benign. Review status: criteria provided, single submitter. Criteria: ACMG Guidelines, 2015. Collection method: not provided. Allele origin: germline. Inheritance: Autosomal recessive inheritance. Affected: yes.

PreventionGenetics, part of Exact Sciences
Classification: Likely benign for VLDLR-related condition. Last evaluated: 2022-11-21. Review status: no assertion criteria provided. Collection method: clinical testing. Allele origin: germline. Not counted in ClinVar's aggregate classification.
Comment: This variant is classified as likely benign based on ACMG/AMP sequence variant interpretation guidelines (Richards et al. 2015 PMID: 25741868, with internal and published modifications).